The following is an entry in ClinVar:

ClinVar aggregate classification (germline): Likely benign. Review status: criteria provided, multiple submitters, no conflicts (2 of 4 stars). 3 submissions from 3 submitters: Likely benign (3). Last evaluated 2023-11-25.

Allele frequency attached by ClinVar (database versions not stated): gnomAD exomes below 0.00001 and 0.00001; TOPMed 0.00002; gnomAD 0.00003.
gnomAD v4.1: 20 of 1,614,182 alleles (0.0012%); highest among the groups gnomAD compares: East Asian, 0.0022%; no homozygotes.

Submissions (3):

Labcorp Genetics (formerly Invitae), Labcorp
Classification: Likely benign. Last evaluated: 2023-11-25. Review status: criteria provided, single submitter. Criteria: Invitae Variant Classification Sherloc (09022015). Collection method: clinical testing. Allele origin: germline.

Laboratory for Molecular Medicine, Mass General Brigham Personalized Medicine
Classification: Likely benign. Last evaluated: 2013-09-08. Review status: criteria provided, single submitter. Criteria: LMM Criteria. Collection method: clinical testing. Allele origin: germline. Observed: 2 variant alleles.
Comment: Thr1906Thr in Exon 40 of MYH9: This variant is not expected to have clinical sig nificance because it does not alter an amino acid residue and it is not located within the splice consensus sequence.

PreventionGenetics, part of Exact Sciences
Classification: Likely benign. Review status: criteria provided, single submitter. Criteria: ACMG Guidelines, 2015. Collection method: clinical testing. Allele origin: germline.

NM_002473.6(MYH9):c.5718G>A (p.Thr1906=)

Gene: MYH9 (myosin heavy chain 9; minus strand). Cytogenetic location: 22q12.3.
Variant type: single nucleotide variant.
Coding change: c.5718G>A on transcript NM_002473.6 (MANE Select); coding-DNA position 5718, G replaced by A.
Protein change: p.Thr1906=; no amino-acid change (threonine 1906 retained).
Molecular consequence: synonymous variant.
Genome position (GRCh38, 1-based): chr22:36,284,140, C>T on the plus strand (G>A on the coding strand, the complement: MYH9 is on the minus strand). VCF-style: chr22-36284140-C-T. GRCh37 (hg19) VCF-style: chr22-36680186-C-T.
Identifiers: ClinVar variation 179209 (VCV000179209.8), dbSNP rs727504711, ClinGen allele CA183957.